The following is an entry in ClinVar:

NM_007118.4(TRIO):c.5369_5375delinsCTTCACGTGCC (p.Asp1790fs)

Gene: TRIO (trio Rho guanine nucleotide exchange factor; plus strand). Cytogenetic location: 5p15.2.
Variant type: Indel.
Coding change: c.5369_5375delinsCTTCACGTGCC on transcript NM_007118.4 (MANE Select); coding-DNA positions 5369 to 5375, ACGGGCA replaced by CTTCACGTGCC.
Protein change: p.Asp1790fs; shifts the reading frame from aspartic acid 1790.
Molecular consequence: frameshift variant. On other transcripts: non-coding transcript variant (1).
Genome position (GRCh38, 1-based): chr5:14,461,184-14,461,190, ACGGGCA replaced by CTTCACGTGCC. VCF-style: chr5-14461184-ACGGGCA-CTTCACGTGCC. GRCh37 (hg19) VCF-style: chr5-14461293-ACGGGCA-CTTCACGTGCC.
Other names: short protein forms D1790fs.
Identifiers: ClinVar variation 3973816 (VCV003973816.1).

ClinVar aggregate classification (germline): Pathogenic (1 of 4 stars; one submission).

Conditions:
Inborn genetic diseases. Identifiers: MedGen C0950123, MeSH D030342.

Submission:

Ambry Genetics
Classification: Pathogenic for Inborn genetic diseases. Last evaluated: 2025-05-19. Review status: criteria provided, single submitter. Criteria: Ambry Variant Classification Scheme 2023. Collection method: clinical testing. Allele origin: germline.
Comment: The c.5369_5375delACGGGCAinsCTTCACGTGCC (p.D1790Afs*100) alteration, located in exon 35 (coding exon 35) of the TRIO gene, consists of a deletion of 7 and insertion of 11 nucleotides causing a translational frameshift at position 5369 with a predicted alternate stop codon after 100 amino acids. This alteration is expected to result in loss of function by premature protein truncation or nonsense-mediated mRNA decay. for TRIO-related neurodevelopmental disorder with microcephaly; however, it is unlikely to be causative of TRIO-related neurodevelopmental disorder with macrocephaly. This variant was not reported in population-based cohorts in the Genome Aggregation Database (gnomAD). Based on the available evidence, this alteration is classified as pathogenic.